The following is an entry in ClinVar:

NM_000553.6(WRN):c.349A>G (p.Met117Val)

Gene: WRN (WRN RecQ like helicase; plus strand). Cytogenetic location: 8p12.
Variant type: single nucleotide variant.
Coding change: c.349A>G on transcript NM_000553.6 (MANE Select); coding-DNA position 349, A replaced by G.
Protein change: p.Met117Val; replaces methionine 117 with valine.
Molecular consequence: missense variant.
Genome position (GRCh38, 1-based): chr8:31,064,428, A>G. VCF-style: chr8-31064428-A-G. GRCh37 (hg19) VCF-style: chr8-30921944-A-G.
Other names: short protein forms M117V.
Identifiers: ClinVar variation 404013 (VCV000404013.10), dbSNP rs768216398, ClinGen allele CA4704036.

ClinVar aggregate classification (germline): Uncertain significance. Review status: criteria provided, multiple submitters, no conflicts (2 of 4 stars). 3 submissions from 3 submitters: Uncertain significance (3). Last evaluated 2025-05-05.

Conditions:
Werner syndrome (WRN). Identifiers: Orphanet 902, MedGen C0043119, MONDO:0010196, OMIM 277700.

Allele frequency attached by ClinVar (database versions not stated): gnomAD 0.00001; TOPMed 0.00002; ExAC 0.00004; gnomAD exomes 0.00006.

Submissions (3):

Labcorp Genetics (formerly Invitae), Labcorp
Classification: Uncertain significance for Werner syndrome. Last evaluated: 2025-05-05. Review status: criteria provided, single submitter. Criteria: Invitae Variant Classification Sherloc (09022015). Collection method: clinical testing. Allele origin: germline.
Comment: This sequence change replaces methionine, which is neutral and non-polar, with valine, which is neutral and non-polar, at codon 117 of the WRN protein (p.Met117Val). This variant is present in population databases (rs768216398, gnomAD 0.09%). This variant has not been reported in the literature in individuals affected with WRN-related conditions. ClinVar contains an entry for this variant (Variation ID: 404013). An algorithm developed to predict the effect of missense changes on protein structure and function (PolyPhen-2) suggests that this variant is likely to be disruptive. In summary, the available evidence is currently insufficient to determine the role of this variant in disease. Therefore, it has been classified as a Variant of Uncertain Significance.

Blueprint Genetics
Classification: Uncertain significance. Last evaluated: 2024-09-19. Review status: criteria provided, single submitter. Criteria: ACMG Guidelines, 2015. Collection method: clinical testing. Allele origin: germline.

Fulgent Genetics
Classification: Uncertain significance for Werner syndrome. Last evaluated: 2024-01-15. Review status: criteria provided, single submitter. Criteria: ACMG Guidelines, 2015. Collection method: clinical testing. Allele origin: germline.